The following is an entry in ClinVar:

ClinVar aggregate classification (germline): Uncertain significance. Review status: criteria provided, multiple submitters, no conflicts (2 of 4 stars). 3 submissions from 3 submitters: Uncertain significance (3). Last evaluated 2025-12-04.

Conditions:
Proteasome-associated autoinflammatory syndrome 3. Identifiers: MedGen C4747850, MONDO:0054699, OMIM 617591.

Allele frequency attached by ClinVar (database versions not stated): ExAC 0.00001; gnomAD 0.00003 and 0.00004.

Submissions (3):

Mayo Clinic Laboratories, Mayo Clinic
Classification: Uncertain significance. Last evaluated: 2025-12-04. Review status: criteria provided, single submitter. Criteria: ACMG Guidelines, 2015. Collection method: clinical testing. Allele origin: germline. Observed: 1 variant allele.
Comment: BP4_strong, PM2_supporting

Labcorp Genetics (formerly Invitae), Labcorp
Classification: Uncertain significance. Last evaluated: 2024-03-10. Review status: criteria provided, single submitter. Criteria: Invitae Variant Classification Sherloc (09022015). Collection method: clinical testing. Allele origin: germline.
Comment: This sequence change replaces alanine, which is neutral and non-polar, with serine, which is neutral and polar, at codon 17 of the PSMB4 protein (p.Ala17Ser). This variant is present in population databases (rs760532671, gnomAD 0.01%). This variant has not been reported in the literature in individuals affected with PSMB4-related conditions. ClinVar contains an entry for this variant (Variation ID: 1493754). Algorithms developed to predict the effect of missense changes on protein structure and function output the following: SIFT: "Not Available"; PolyPhen-2: "Benign"; Align-GVGD: "Not Available". The serine amino acid residue is found in multiple mammalian species, which suggests that this missense change does not adversely affect protein function. In summary, the available evidence is currently insufficient to determine the role of this variant in disease. Therefore, it has been classified as a Variant of Uncertain Significance.

Ambry Genetics
Classification: Uncertain significance. Last evaluated: 2024-01-23. Review status: criteria provided, single submitter. Criteria: Ambry Variant Classification Scheme 2023. Collection method: clinical testing. Allele origin: germline.

NM_002796.3(PSMB4):c.49G>T (p.Ala17Ser)

Gene: PSMB4 (proteasome 20S subunit beta 4; plus strand). Cytogenetic location: 1q21.3.
Variant type: single nucleotide variant.
Coding change: c.49G>T on transcript NM_002796.3 (MANE Select); coding-DNA position 49, G replaced by T.
Protein change: p.Ala17Ser; replaces alanine 17 with serine.
Molecular consequence: missense variant.
Genome position (GRCh38, 1-based): chr1:151,399,636, G>T. VCF-style: chr1-151399636-G-T. GRCh37 (hg19) VCF-style: chr1-151372112-G-T.
Other names: p.Ala17Ser; c.49G>T (NM_002796.2); short protein forms A17S.
Identifiers: ClinVar variation 1493754 (VCV001493754.11), dbSNP rs760532671, ClinGen allele CA1090561.